The following is an entry in ClinVar:

ClinVar aggregate classification (germline): Benign (1 of 4 stars; one submission).

Conditions:
Hereditary diffuse gastric adenocarcinoma (HDGC). Also called: DIFFUSE GASTRIC AND LOBULAR BREAST CANCER SYNDROME. Identifiers: Orphanet 26106, MedGen C1708349, MONDO:0007648, OMIM 137215.

Submission:

Myriad Genetics, Inc.
Classification: Benign for Hereditary diffuse gastric adenocarcinoma. Last evaluated: 2024-10-14. Review status: criteria provided, single submitter. Criteria: Myriad Autosomal Dominant, Autosomal Recessive and X-Linked Classification Criteria (2023). Collection method: clinical testing. Allele origin: unknown.
Comment: This variant is considered benign. This variant is a silent/synonymous amino acid change and it is not expected to impact splicing.

NM_001903.5(CTNNA1):c.1794C>A (p.Leu598=)

Gene: CTNNA1 (catenin alpha 1; plus strand). Cytogenetic location: 5q31.2.
Variant type: single nucleotide variant.
Coding change: c.1794C>A on transcript NM_001903.5 (MANE Select); coding-DNA position 1794, C replaced by A.
Protein change: p.Leu598=; no amino-acid change (leucine 598 retained).
Molecular consequence: synonymous variant.
Genome position (GRCh38, 1-based): chr5:138,925,302, C>A. VCF-style: chr5-138925302-C-A. GRCh37 (hg19) VCF-style: chr5-138260991-C-A.
Other names: c.684C>A, p.Leu228= (NM_001324000.1, NM_001324001.1, NM_001324002.1 and 17 more transcripts); c.345C>A, p.Leu115= (NM_001324006.1, NM_001324007.1, NM_001324008.1 and 2 more transcripts); c.591C>A, p.Leu197= (NM_001324011.1); c.441C>A, p.Leu147= (NM_001324012.1, NM_001324013.1); c.1701C>A, p.Leu567= (NM_001323986.2); c.1794C>A, p.Leu598= (NM_001290307.3, NM_001323982.2, NM_001323983.1 and 2 more transcripts); c.1485C>A, p.Leu495= (NM_001290309.3); c.1425C>A, p.Leu475= (NM_001290310.3).
Identifiers: ClinVar variation 3773373 (VCV003773373.1).